The following is an entry in ClinVar:

ClinVar aggregate classification (germline): Uncertain significance (1 of 4 stars; one submission).

Conditions:
Baller-Gerold syndrome (BGS). Also called: CRANIOSYNOSTOSIS WITH RADIAL DEFECTS. Identifiers: Orphanet 1225, MedGen C0265308, MONDO:0009039, OMIM 218600.

Submission:

Labcorp Genetics (formerly Invitae), Labcorp
Classification: Uncertain significance for Baller-Gerold syndrome. Last evaluated: 2023-07-07. Review status: criteria provided, single submitter. Criteria: Invitae Variant Classification Sherloc (09022015). Collection method: clinical testing. Allele origin: unknown.
Comment: This variant results in a copy number gain of the genomic region encompassing exon(s) 17-21 of the RECQL4 gene. This region includes the termination codon of the gene. This copy number gain extends beyond the assayed region for this gene and therefore may encompass additional genes. As the precise location of this event is unknown, it may be in tandem or it may be located elsewhere in the genome. This variant has not been reported in the literature in individuals affected with RECQL4-related conditions. In summary, the available evidence is currently insufficient to determine the role of this variant in disease. Therefore, it has been classified as a Variant of Uncertain Significance.

NC_000008.10:g.(?_145736814)_(145737964_?)dup

Gene: RECQL4 (RecQ like helicase 4; minus strand). Cytogenetic location: 8q24.3.
Variant type: Duplication.
Identifiers: ClinVar variation 3245486 (VCV003245486.1).